The following is an entry in ClinVar:

NM_013432.5(TONSL):c.1353_1365del (p.Glu451fs)

Gene: TONSL (tonsoku like, DNA repair protein; minus strand). Cytogenetic location: 8q24.3.
Variant type: Deletion.
Coding change: c.1353_1365del on transcript NM_013432.5 (MANE Select); coding-DNA positions 1353 to 1365, 13 bases deleted (GACCGAAACCAGA).
Protein change: p.Glu451fs; shifts the reading frame from glutamic acid 451.
Molecular consequence: frameshift variant.
Genome position (GRCh38, 1-based): chr8:144,440,136-144,440,148, TCTGGTTTCGGTC deleted on the plus strand (GACCGAAACCAGA on the coding strand, the reverse complement: TONSL is on the minus strand); deleting any 13 consecutive bases within chr8:144,440,136-144,440,150 gives the same sequence; the c. name uses the placement nearest the transcript's 3' end. VCF-style (leftmost placement, unchanged base first): chr8-144440135-GTCTGGTTTCGGTC-G. GRCh37 (hg19) VCF-style: chr8-145665518-GTCTGGTTTCGGTC-G.
Other names: short protein forms E451fs.
Identifiers: ClinVar variation 1958280 (VCV001958280.5), dbSNP rs747949207, ClinGen allele CA4943275.
Genomic context (GRCh38, chr8:144,440,135, plus strand): 5'-CTGCCGCCTCCTCCGCCTCCTCCTCCTCATCTTCATCTTCAGCTACACTGAGCTCCCGTA[GTCTGGTTTCGGTC>G]TCAGGGGCCTCCTGGGGCTGCAGCCTCAGCTGCACGGTATGGAGATGCTGCAAGACCTGC-3'

ClinVar aggregate classification (germline): Pathogenic (1 of 4 stars; one submission).

Submission:

Labcorp Genetics (formerly Invitae), Labcorp
Classification: Pathogenic. Last evaluated: 2025-09-21. Review status: criteria provided, single submitter. Criteria: Invitae Variant Classification Sherloc (09022015). Collection method: clinical testing. Allele origin: germline.
Comment: This sequence change creates a premature translational stop signal (p.Glu451Aspfs*7) in the TONSL gene. It is expected to result in an absent or disrupted protein product. Loss-of-function variants in TONSL are known to be pathogenic (PMID: 30773277). This variant is present in population databases (rs747949207, gnomAD 0.007%). This variant has not been reported in the literature in individuals affected with TONSL-related conditions. ClinVar contains an entry for this variant (Variation ID: 1958280). For these reasons, this variant has been classified as Pathogenic.

Literature cited by the submitters: PubMed 30773277.